The following is an entry in ClinVar:

ClinVar aggregate classification (germline): Benign (1 of 4 stars; one submission).

Allele frequency attached by ClinVar (database versions not stated): gnomAD 0.08511 and 0.08993; TOPMed 0.08926; 1000 Genomes Project 30x 0.13039; 1000 Genomes Project 0.13279.

Submission:

GeneDx
Classification: Benign. Last evaluated: 2021-02-23. Review status: criteria provided, single submitter. Criteria: GeneDx Variant Classification Process June 2021. Collection method: clinical testing. Allele origin: germline. Affected: yes.
Comment: This variant is associated with the following publications: (PMID: 32190938)

NC_000003.12:g.112975558A>G

Gene: CD200R1 (CD200 receptor 1; minus strand). Cytogenetic location: 3q13.2.
Variant type: single nucleotide variant.
Genome position: GRCh38 VCF-style: chr3-112975558-A-G. GRCh37 (hg19) VCF-style: chr3-112694405-A-G.
Identifiers: ClinVar variation 1226493 (VCV001226493.4), dbSNP rs72952157, ClinGen allele CA11416394.